The following is an entry in ClinVar:

ClinVar aggregate classification (germline): Benign/Likely benign. Review status: criteria provided, multiple submitters, no conflicts (2 of 4 stars). 3 submissions from 3 submitters: Benign (1); Likely benign (2). Last evaluated 2024-09-30.

Conditions:
BAP1-related tumor predisposition syndrome (TPDS1). Also called: TUMOR PREDISPOSITION SYNDROME 1; COMMON Syndrome; BAP1 tumor predisposition syndrome; Tumor susceptibility linked to germline BAP1 mutations. Identifiers: Orphanet 289539, MedGen C3280492, MONDO:0013692, OMIM 614327.
Hereditary cancer-predisposing syndrome. Also called: Hereditary Cancer Syndrome; Tumor predisposition; Hereditary neoplastic syndrome; Neoplastic Syndromes, Hereditary. Identifiers: Orphanet 140162, MedGen C0027672, MeSH D009386, MONDO:0015356.

Allele frequency attached by ClinVar (database versions not stated): gnomAD 0.00001.
gnomAD v4.1: 1 of 1,613,862 alleles (0.000062%); highest among the groups gnomAD compares: Non-Finnish European, 0.000085%; no homozygotes.

Submissions (3):

Ambry Genetics
Classification: Likely benign for Hereditary cancer-predisposing syndrome. Last evaluated: 2024-09-30. Review status: criteria provided, single submitter. Criteria: Ambry Variant Classification Scheme 2023. Collection method: clinical testing. Allele origin: germline.

Myriad Genetics, Inc.
Classification: Benign for BAP1-related tumor predisposition syndrome. Last evaluated: 2024-07-16. Review status: criteria provided, single submitter. Criteria: Myriad Autosomal Dominant, Autosomal Recessive and X-Linked Classification Criteria (2023). Collection method: clinical testing. Allele origin: unknown.
Comment: This variant is considered benign. This variant is a silent/synonymous amino acid change and it is not expected to impact splicing.

Labcorp Genetics (formerly Invitae), Labcorp
Classification: Likely benign for BAP1-related tumor predisposition syndrome. Last evaluated: 2022-07-19. Review status: criteria provided, single submitter. Criteria: Invitae Variant Classification Sherloc (09022015). Collection method: clinical testing. Allele origin: germline.

NM_004656.4(BAP1):c.1668C>T (p.Val556=)

Gene: BAP1 (BRCA1 associated deubiquitinase 1; minus strand). Cytogenetic location: 3p21.1.
Variant type: single nucleotide variant.
Coding change: c.1668C>T on transcript NM_004656.4 (MANE Select); coding-DNA position 1668, C replaced by T.
Protein change: p.Val556=; no amino-acid change (valine 556 retained).
Molecular consequence: synonymous variant.
Genome position (GRCh38, 1-based): chr3:52,403,477, G>A on the plus strand (C>T on the coding strand, the complement: BAP1 is on the minus strand). VCF-style: chr3-52403477-G-A. GRCh37 (hg19) VCF-style: chr3-52437493-G-A.
Other names: c.1614C>T, p.Val538= (NM_001410772.1).
Identifiers: ClinVar variation 2188198 (VCV002188198.6), dbSNP rs1253002851, ClinGen allele CA433885887.